The following is an entry in ClinVar:

NM_001163809.2(WDR81):c.1722C>T (p.His574=)

Gene: WDR81 (WD repeat domain 81; plus strand). Cytogenetic location: 17p13.3.
Variant type: single nucleotide variant.
Coding change: c.1722C>T on transcript NM_001163809.2 (MANE Select); coding-DNA position 1722, C replaced by T.
Protein change: p.His574=; no amino-acid change (histidine 574 retained).
Molecular consequence: synonymous variant. On other transcripts: intron variant (3).
Genome position (GRCh38, 1-based): chr17:1,726,681, C>T. VCF-style: chr17-1726681-C-T. GRCh37 (hg19) VCF-style: chr17-1629975-C-T.
Other names: c.-123-1309C>T (NM_152348.4); c.59-3699C>T (NM_001163673.2); c.-15+1895C>T (NM_001163811.2).
Identifiers: ClinVar variation 730419 (VCV000730419.6), dbSNP rs149461499, ClinGen allele CA8273071.

ClinVar aggregate classification (germline): Benign. Review status: criteria provided, single submitter (1 of 4 stars). 2 submissions from 2 submitters: Benign (1). 1 of the submissions does not count toward it. Last evaluated 2019-12-31.

Conditions:
WDR81-related disorder. Also called: WDR81-related condition.

Allele frequency attached by ClinVar (database versions not stated): gnomAD exomes 0.00083 and 0.00314; gnomAD 0.00094 and 0.00125; ExAC 0.00130; TOPMed 0.00168; 1000 Genomes Project 30x 0.00500; 1000 Genomes Project 0.00559.
gnomAD v4.1: 1,419 of 1,549,982 alleles (0.092%); highest among the groups gnomAD compares: East Asian, 3.1%; 18 homozygotes.

Submissions (2):

Labcorp Genetics (formerly Invitae), Labcorp
Classification: Benign. Last evaluated: 2019-12-31. Review status: criteria provided, single submitter. Criteria: Invitae Variant Classification Sherloc (09022015). Collection method: clinical testing. Allele origin: germline.

PreventionGenetics, part of Exact Sciences
Classification: Benign for WDR81-related condition. Last evaluated: 2024-02-27. Review status: no assertion criteria provided. Collection method: clinical testing. Allele origin: germline. Not counted in ClinVar's aggregate classification.
Comment: This variant is classified as benign based on ACMG/AMP sequence variant interpretation guidelines (Richards et al. 2015 PMID: 25741868, with internal and published modifications).